The following is an entry in ClinVar:

ClinVar aggregate classification (germline): Uncertain significance. Review status: criteria provided, multiple submitters, no conflicts (2 of 4 stars). 2 submissions from 2 submitters: Uncertain significance (2). Last evaluated 2024-02-20.

Conditions:
Lymphangiomyomatosis (LAM). Also called: Lymphangioleiomyomatosis; Lymphangioleiomyomatosis, somatic. Identifiers: Orphanet 538, MedGen C0751674, MONDO:0011705, OMIM 606690.
Isolated focal cortical dysplasia type II (FCORD2). Also called: Focal cortical dysplasia type II; CORTICAL DYSPLASIA OF TAYLOR. Identifiers: Orphanet 268994, MedGen C1846385, MONDO:0011818, OMIM 607341, HP:0032051.
Tuberous sclerosis 2 (TSC2). Identifiers: Orphanet 805, MedGen C1860707, MONDO:0013199, OMIM 613254.

Submissions (2):

Fulgent Genetics
Classification: Uncertain significance for Lymphangiomyomatosis; Isolated focal cortical dysplasia type II; Tuberous sclerosis 2. Last evaluated: 2024-02-20. Review status: criteria provided, single submitter. Criteria: ACMG Guidelines, 2015. Collection method: clinical testing. Allele origin: germline.

Labcorp Genetics (formerly Invitae), Labcorp
Classification: Uncertain significance for Tuberous sclerosis 2. Last evaluated: 2023-03-09. Review status: criteria provided, single submitter. Criteria: Invitae Variant Classification Sherloc (09022015). Collection method: clinical testing. Allele origin: germline.
Comment: In summary, the available evidence is currently insufficient to determine the role of this variant in disease. Therefore, it has been classified as a Variant of Uncertain Significance. Advanced modeling of protein sequence and biophysical properties (such as structural, functional, and spatial information, amino acid conservation, physicochemical variation, residue mobility, and thermodynamic stability) performed at Invitae indicates that this missense variant is not expected to disrupt TSC2 protein function. This variant has not been reported in the literature in individuals affected with TSC2-related conditions. This variant is not present in population databases (gnomAD no frequency). This sequence change replaces serine, which is neutral and polar, with cysteine, which is neutral and slightly polar, at codon 1526 of the TSC2 protein (p.Ser1526Cys).

NM_000548.5(TSC2):c.4577C>G (p.Ser1526Cys)

Gene: TSC2 (TSC complex subunit 2; plus strand). Cytogenetic location: 16p13.3.
Variant type: single nucleotide variant.
Coding change: c.4577C>G on transcript NM_000548.5 (MANE Select); coding-DNA position 4577, C replaced by G.
Protein change: p.Ser1526Cys; replaces serine 1526 with cysteine.
Molecular consequence: missense variant. On other transcripts: non-coding transcript variant (5).
Genome position (GRCh38, 1-based): chr16:2,085,237, C>G. VCF-style: chr16-2085237-C-G. GRCh37 (hg19) VCF-style: chr16-2135238-C-G.
Other names: c.4574C>G, p.Ser1525Cys (NM_001406663.1); c.4505C>G, p.Ser1502Cys (NM_001406664.1); c.4499C>G, p.Ser1500Cys (NM_001406665.1); c.4469C>G, p.Ser1490Cys (NM_001406667.1); c.4466C>G, p.Ser1489Cys (NM_001406668.1); c.4397C>G, p.Ser1466Cys (NM_001406670.1); c.4367C>G, p.Ser1456Cys (NM_001406671.1); c.4364C>G, p.Ser1455Cys (NM_001406673.1); and 26 more; short protein forms S1055C, S1259C, S1303C, S1411C, S1423C, S1466C, S1503C, S1525C.
Identifiers: ClinVar variation 2844410 (VCV002844410.4), dbSNP rs796053498, ClinGen allele CA394304365.
Genomic context (GRCh38, chr16:2,085,237, plus strand): 5'-CGGCCTCCTGTGGACGGGCGTCTGGGGCTCAGGCAGGGCTCTGTGTGCCACAGTCACAGT[C>G]CTTTGAGCGGTCGGTGCAGCTCCTCGACCAGATCCCATCATACGACACCCACAAGATCGC-3'
Protein context (NP_000539.2, residues 1516-1536): KPILLPNESQ[Ser1526Cys]FERSVQLLDQ